The following is an entry in ClinVar:

NM_032043.3(BRIP1):c.2654C>T (p.Ser885Phe)

Gene: BRIP1 (BRCA1 interacting DNA helicase 1; minus strand). Cytogenetic location: 17q23.2.
Variant type: single nucleotide variant.
Coding change: c.2654C>T on transcript NM_032043.3 (MANE Select); coding-DNA position 2654, C replaced by T.
Protein change: p.Ser885Phe; replaces serine 885 with phenylalanine.
Molecular consequence: missense variant.
Genome position (GRCh38, 1-based): chr17:61,686,087, G>A on the plus strand (C>T on the coding strand, the complement: BRIP1 is on the minus strand). VCF-style: chr17-61686087-G-A. GRCh37 (hg19) VCF-style: chr17-59763448-G-A.
Other names: short protein forms S885F.
Identifiers: ClinVar variation 1794356 (VCV001794356.2), dbSNP rs2544573594, ClinGen allele CA400481851.

ClinVar aggregate classification (germline): Uncertain significance (1 of 4 stars; one submission).

Conditions:
Hereditary cancer-predisposing syndrome. Also called: Tumor predisposition; Hereditary Cancer Syndrome; Neoplastic Syndromes, Hereditary; Hereditary neoplastic syndrome. Identifiers: Orphanet 140162, MedGen C0027672, MeSH D009386, MONDO:0015356.

Submission:

Ambry Genetics
Classification: Uncertain significance for Hereditary cancer-predisposing syndrome. Last evaluated: 2017-12-15. Review status: criteria provided, single submitter. Criteria: Ambry Variant Classification Scheme 2023. Collection method: clinical testing. Allele origin: germline.
Comment: The p.S885F variant (also known as c.2654C>T), located in coding exon 18 of the BRIP1 gene, results from a C to T substitution at nucleotide position 2654. The serine at codon 885 is replaced by phenylalanine, an amino acid with highly dissimilar properties. This amino acid position is well conserved in available vertebrate species. In addition, the in silico prediction for this alteration is inconclusive. Since supporting evidence is limited at this time, the clinical significance of this alteration remains unclear.